The following is an entry in ClinVar:

NM_001353108.3(CEP63):c.1973C>A (p.Pro658His)

Gene: CEP63 (centrosomal protein 63; plus strand). Cytogenetic location: 3q22.2.
Variant type: single nucleotide variant.
Coding change: c.1973C>A on transcript NM_001353108.3 (MANE Select); coding-DNA position 1973, C replaced by A.
Protein change: p.Pro658His; replaces proline 658 with histidine.
Molecular consequence: missense variant. On other transcripts: non-coding transcript variant (4), intron variant (5).
Genome position (GRCh38, 1-based): chr3:134,561,396, C>A. VCF-style: chr3-134561396-C-A. GRCh37 (hg19) VCF-style: chr3-134280238-C-A.
Other names: c.1349C>A, p.Pro450His (NM_001042383.2, NM_001353119.2, NM_001353120.2 and 2 more transcripts); c.1487C>A, p.Pro496His (NM_001042400.3, NM_001353110.1, NM_001353111.2 and 1 more transcripts); c.1835C>A, p.Pro612His (NM_001353109.1); c.1376C>A, p.Pro459His (NM_001353118.1); c.1265C>A, p.Pro422His (NM_001353125.2); c.986C>A, p.Pro329His (NM_001353126.2); c.1973C>A, p.Pro658His (NM_025180.5); c.1467+9384C>A (NM_001353113.1, NM_001353117.2); and 1 more; short protein forms P658H, P329H, P450H, P422H, P459H, P496H, P612H.
Identifiers: ClinVar variation 434752 (VCV000434752.14), dbSNP rs781235688, ClinGen allele CA2628847.

ClinVar aggregate classification (germline): Uncertain significance. Review status: criteria provided, multiple submitters, no conflicts (2 of 4 stars). 6 submissions from 6 submitters: Uncertain significance (6). Last evaluated 2025-08-10.

Conditions:
Inborn genetic diseases. Identifiers: MedGen C0950123, MeSH D030342.
Seckel syndrome 6 (SCKL6). Identifiers: MedGen C3553582, MONDO:0013871, OMIM 614728.

Allele frequency attached by ClinVar (database versions not stated): gnomAD 0.00003.
gnomAD v4.1: 18 of 1,613,954 alleles (0.0011%); highest among the groups gnomAD compares: Middle Eastern, 0.18%; 1 homozygote.

Submissions (6):

Ambry Genetics
Classification: Uncertain significance for Inborn genetic diseases. Last evaluated: 2025-08-10. Review status: criteria provided, single submitter. Criteria: Ambry Variant Classification Scheme 2023. Collection method: clinical testing. Allele origin: germline.

Blueprint Genetics
Classification: Uncertain significance. Last evaluated: 2024-10-16. Review status: criteria provided, single submitter. Criteria: ACMG Guidelines, 2015. Collection method: clinical testing. Allele origin: germline.

Labcorp Genetics (formerly Invitae), Labcorp
Classification: Uncertain significance. Last evaluated: 2022-06-07. Review status: criteria provided, single submitter. Criteria: Invitae Variant Classification Sherloc (09022015). Collection method: clinical testing. Allele origin: germline.
Comment: In summary, the available evidence is currently insufficient to determine the role of this variant in disease. Therefore, it has been classified as a Variant of Uncertain Significance. This sequence change replaces proline, which is neutral and non-polar, with histidine, which is basic and polar, at codon 658 of the CEP63 protein (p.Pro658His). This variant is present in population databases (rs781235688, gnomAD 0.004%). This variant has not been reported in the literature in individuals affected with CEP63-related conditions. ClinVar contains an entry for this variant (Variation ID: 434752). Algorithms developed to predict the effect of missense changes on protein structure and function are either unavailable or do not agree on the potential impact of this missense change (SIFT: "Deleterious"; PolyPhen-2: "Probably Damaging"; Align-GVGD: "Class C0").

Baylor Genetics
Classification: Uncertain significance for Seckel syndrome 6. Last evaluated: 2020-01-27. Review status: criteria provided, single submitter. Criteria: ACMG Guidelines, 2015. Collection method: clinical testing. Allele origin: unknown. Affected: yes.
Comment: This variant was determined to be of uncertain significance according to ACMG Guidelines, 2015 [PMID:25741868].

Genetic Services Laboratory, University of Chicago
Classification: Uncertain significance. Last evaluated: 2016-01-07. Review status: criteria provided, single submitter. Criteria: ACMG Guidelines, 2015. Collection method: clinical testing. Allele origin: germline. Affected: no.

Breakthrough Genomics
Classification: Uncertain significance. Review status: criteria provided, single submitter. Criteria: ACMG Guidelines, 2015. Collection method: not provided. Allele origin: germline. Inheritance: Autosomal recessive inheritance. Affected: yes.